The following is an entry in ClinVar:

ClinVar aggregate classification (germline): Uncertain significance. Review status: criteria provided, multiple submitters, no conflicts (2 of 4 stars). 2 submissions from 2 submitters: Uncertain significance (2). Last evaluated 2026-09-16.

Conditions:
FAM161A-related disorder. Also called: FAM161A-related condition.

Submissions (2):

PreventionGenetics, part of Exact Sciences
Classification: Uncertain significance for FAM161A-related condition. Last evaluated: 2026-09-16. Review status: criteria provided, single submitter. Criteria: ACMG Guidelines, 2015. Collection method: clinical testing. Allele origin: germline.
Comment: The FAM161A c.710C>T variant is predicted to result in the amino acid substitution p.Thr237Ile. To our knowledge, this variant has not been reported in the literature or in a large population database (gnomAD), indicating this variant is rare. At this time, the clinical significance of this variant is uncertain due to the absence of conclusive functional and genetic evidence.

Labcorp Genetics (formerly Invitae), Labcorp
Classification: Uncertain significance. Last evaluated: 2021-09-01. Review status: criteria provided, single submitter. Criteria: Invitae Variant Classification Sherloc (09022015). Collection method: clinical testing. Allele origin: germline.
Comment: This sequence change replaces threonine with isoleucine at codon 237 of the FAM161A protein (p.Thr237Ile). The threonine residue is highly conserved and there is a moderate physicochemical difference between threonine and isoleucine. This variant is not present in population databases (ExAC no frequency). This variant has not been reported in the literature in individuals affected with FAM161A-related conditions. Algorithms developed to predict the effect of missense changes on protein structure and function (SIFT, PolyPhen-2, Align-GVGD) all suggest that this variant is likely to be disruptive. In summary, the available evidence is currently insufficient to determine the role of this variant in disease. Therefore, it has been classified as a Variant of Uncertain Significance.

NM_001201543.2(FAM161A):c.710C>T (p.Thr237Ile)

Gene: FAM161A (FAM161 centrosomal protein A; minus strand). Cytogenetic location: 2p15.
Variant type: single nucleotide variant.
Coding change: c.710C>T on transcript NM_001201543.2 (MANE Select); coding-DNA position 710, C replaced by T.
Protein change: p.Thr237Ile; replaces threonine 237 with isoleucine.
Molecular consequence: missense variant. On other transcripts: non-coding transcript variant (1).
Genome position (GRCh38, 1-based): chr2:61,840,294, G>A on the plus strand (C>T on the coding strand, the complement: FAM161A is on the minus strand). VCF-style: chr2-61840294-G-A. GRCh37 (hg19) VCF-style: chr2-62067429-G-A.
Other names: c.710C>T (NM_001201543.1); c.710C>T, p.Thr237Ile (NM_032180.3); short protein forms T237I.
Identifiers: ClinVar variation 1387563 (VCV001387563.6), dbSNP rs2105083104, ClinGen allele CA346988555.